The following is an entry in ClinVar:

NM_001378454.1(ALMS1):c.2142T>G (p.Thr714=)

Gene: ALMS1 (ALMS1 centrosome and basal body associated protein; plus strand). Cytogenetic location: 2p13.1.
Variant type: single nucleotide variant.
Coding change: c.2142T>G on transcript NM_001378454.1 (MANE Select); coding-DNA position 2142, T replaced by G.
Protein change: p.Thr714=; no amino-acid change (threonine 714 retained).
Molecular consequence: synonymous variant.
Genome position (GRCh38, 1-based): chr2:73,448,669, T>G. VCF-style: chr2-73448669-T-G. GRCh37 (hg19) VCF-style: chr2-73675796-T-G.
Other names: c.2145T>G, p.Thr715= (NM_015120.4).
Identifiers: ClinVar variation 3778482 (VCV003778482.7).
Genomic context (GRCh38, chr2:73,448,669, plus strand): 5'-AGTCTCAGCTGTGTCTGGACCAGCTGACCAGAAGACTGGGACAGCAACAGTACTCTCTAC[T>G]CCCCACTCACATAGAGAGAAGCCTGGTATTTTTTACCAACAAGAGTTCGCAGACAGTCAT-3'
Protein context (NP_001365383.1, residues 704-724): QKTGTATVLS[Thr714=]PHSHREKPGI

ClinVar aggregate classification (germline): Likely benign (1 of 4 stars; one submission).

Submission:

CeGaT Center for Human Genetics Tuebingen
Classification: Likely benign. Last evaluated: 2025-03-01. Review status: criteria provided, single submitter. Criteria: CeGaT Center For Human Genetics Tuebingen Variant Classification Criteria Version 2. Collection method: clinical testing. Allele origin: germline. Affected: yes. Observed: 1 variant allele.
Comment: ALMS1: PM2:Supporting, BP4, BP7